The following is an entry in ClinVar:

NM_001206927.2(DNAH8):c.2100T>G (p.Ile700Met)

Gene: DNAH8 (dynein axonemal heavy chain 8; plus strand). Cytogenetic location: 6p21.2.
Variant type: single nucleotide variant.
Coding change: c.2100T>G on transcript NM_001206927.2 (MANE Select); coding-DNA position 2100, T replaced by G.
Protein change: p.Ile700Met; replaces isoleucine 700 with methionine.
Molecular consequence: missense variant.
Genome position (GRCh38, 1-based): chr6:38,780,026, T>G. VCF-style: chr6-38780026-T-G. GRCh37 (hg19) VCF-style: chr6-38747802-T-G.
Other names: c.1449T>G, p.Ile483Met (NM_001371.4); short protein forms I700M, I483M.
Identifiers: ClinVar variation 572041 (VCV000572041.9), dbSNP rs758338554, ClinGen allele CA3788412.
Genomic context (GRCh38, chr6:38,780,026, plus strand): 5'-GTTTCAGAAGCTGAACATTCCCTGTCTGGGATTAGAAATAAACCACACAATAGAGCGTAT[T>G]CTTCAGTACTATGTGGCTGAACTTGATGCTACTAAGAAGGCAAGTGTCATGTTTATAAAT-3'
Protein context (NP_001193856.1, residues 690-710): GLEINHTIER[Ile700Met]LQYYVAELDA

ClinVar aggregate classification (germline): Uncertain significance. Review status: criteria provided, multiple submitters, no conflicts (2 of 4 stars). 2 submissions from 2 submitters: Uncertain significance (2). Last evaluated 2022-01-25.

Conditions:
Primary ciliary dyskinesia. Also called: Ciliary dyskinesia. Identifiers: Orphanet 244, MedGen C0008780, MONDO:0016575, HP:0012265.
Spermatogenic failure 46. Identifiers: MedGen C5436799, MONDO:0033673, OMIM 619095.

Allele frequency attached by ClinVar (database versions not stated): gnomAD 0.00001; gnomAD exomes 0.00002 and 0.00005; TOPMed 0.00002; ExAC 0.00003.
gnomAD v4.1: 15 of 1,613,994 alleles (0.00093%); highest among the groups gnomAD compares: Admixed American, 0.025%; no homozygotes.

Submissions (2):

Revvity Omics, Revvity
Classification: Uncertain significance for Spermatogenic failure 46. Last evaluated: 2022-01-25. Review status: criteria provided, single submitter. Criteria: ACMG Guidelines, 2015. Collection method: clinical testing. Allele origin: germline.

Labcorp Genetics (formerly Invitae), Labcorp
Classification: Uncertain significance for Primary ciliary dyskinesia. Last evaluated: 2021-09-01. Review status: criteria provided, single submitter. Criteria: Invitae Variant Classification Sherloc (09022015). Collection method: clinical testing. Allele origin: germline.
Comment: This sequence change replaces isoleucine with methionine at codon 700 of the DNAH8 protein (p.Ile700Met). The isoleucine residue is highly conserved and there is a small physicochemical difference between isoleucine and methionine. This variant is present in population databases (rs758338554, ExAC 0.03%). This variant has not been reported in the literature in individuals affected with DNAH8-related conditions. Algorithms developed to predict the effect of missense changes on protein structure and function are either unavailable or do not agree on the potential impact of this missense change (SIFT: "Deleterious"; PolyPhen-2: "Not Available"; Align-GVGD: "Class C0"). In summary, the available evidence is currently insufficient to determine the role of this variant in disease. Therefore, it has been classified as a Variant of Uncertain Significance.